The following is an entry in ClinVar:

ClinVar aggregate classification (germline): Benign/Likely benign. Review status: criteria provided, multiple submitters, no conflicts (2 of 4 stars). 8 submissions from 8 submitters: Benign (2); Likely benign (5). 1 of the submissions does not count toward it. Last evaluated 2026-02-01.

Conditions:
DYSF-related disorder. Also called: DYSF-related disorders; DYSF-related condition.
Neuromuscular disease caused by qualitative or quantitative defects of dysferlin. Also called: Qualitative or quantitative defects of dysferlin; Dysferlinopathy. Identifiers: Orphanet 207073, MedGen C2931687, MONDO:0016145.

Allele frequency attached by ClinVar (database versions not stated): gnomAD 0.00373 and 0.00348; TOPMed 0.00428; ESP Exome Variant Server 0.00484; gnomAD exomes 0.00074 and 0.00098; ExAC 0.00130; 1000 Genomes Project 0.00260; 1000 Genomes Project 30x 0.00312.
gnomAD v4.1: 1,589 of 1,613,934 alleles (0.098%); highest among the groups gnomAD compares: African/African-American, 1.2%; 7 homozygotes.

Submissions (8):

Labcorp Genetics (formerly Invitae), Labcorp
Classification: Benign for Neuromuscular disease caused by qualitative or quantitative defects of dysferlin. Last evaluated: 2026-02-01. Review status: criteria provided, single submitter. Criteria: Invitae Variant Classification Sherloc (09022015). Collection method: clinical testing. Allele origin: germline.

CeGaT Center for Human Genetics Tuebingen
Classification: Likely benign. Last evaluated: 2025-09-01. Review status: criteria provided, single submitter. Criteria: CeGaT Center For Human Genetics Tuebingen Variant Classification Criteria Version 2. Collection method: clinical testing. Allele origin: germline. Affected: yes. Observed: 1 variant allele.
Comment: DYSF: BS1

Athena Diagnostics
Classification: Likely benign. Last evaluated: 2024-12-16. Review status: criteria provided, single submitter. Criteria: Athena Diagnostics Criteria. Collection method: clinical testing. Allele origin: unknown.
Comment: The frequency of this variant in the general population is higher than would generally be expected for pathogenic variants in this gene.

Blueprint Genetics
Classification: Likely benign. Last evaluated: 2024-11-25. Review status: criteria provided, single submitter. Criteria: ACMG Guidelines, 2015. Collection method: clinical testing. Allele origin: germline.

Mayo Clinic Laboratories, Mayo Clinic
Classification: Likely benign. Last evaluated: 2024-10-04. Review status: criteria provided, single submitter. Criteria: ACMG Guidelines, 2015. Collection method: clinical testing. Allele origin: germline. Observed: 3 variant alleles.
Comment: BS1, BS2

GeneDx
Classification: Benign. Last evaluated: 2019-05-30. Review status: criteria provided, single submitter. Criteria: GeneDx Variant Classification Process June 2021. Collection method: clinical testing. Allele origin: germline. Affected: yes.

Breakthrough Genomics
Classification: Likely benign. Review status: criteria provided, single submitter. Criteria: ACMG Guidelines, 2015. Collection method: not provided. Allele origin: germline. Inheritance: Autosomal recessive inheritance. Affected: yes.

PreventionGenetics, part of Exact Sciences
Classification: Benign for DYSF-related condition. Last evaluated: 2023-02-14. Review status: no assertion criteria provided. Collection method: clinical testing. Allele origin: germline. Not counted in ClinVar's aggregate classification.
Comment: This variant is classified as benign based on ACMG/AMP sequence variant interpretation guidelines (Richards et al. 2015 PMID: 25741868, with internal and published modifications).

NM_001130987.2(DYSF):c.1288G>A (p.Val430Met)

Gene: DYSF (dysferlin; plus strand). Cytogenetic location: 2p13.2.
Variant type: single nucleotide variant.
Coding change: c.1288G>A on transcript NM_001130987.2 (MANE Select); coding-DNA position 1288, G replaced by A.
Protein change: p.Val430Met; replaces valine 430 with methionine.
Molecular consequence: missense variant.
Genome position (GRCh38, 1-based): chr2:71,528,309, G>A. VCF-style: chr2-71528309-G-A. GRCh37 (hg19) VCF-style: chr2-71755439-G-A.
Other names: c.1195G>A, p.Val399Met (NM_001130455.2, NM_001130983.2, NM_001130984.2 and 1 more transcripts); c.1192G>A, p.Val398Met (NM_001130976.2, NM_001130977.2, NM_001130978.2 and 1 more transcripts); c.1285G>A, p.Val429Met (NM_001130979.2, NM_001130980.2, NM_001130981.2); c.1288G>A, p.Val430Met (NM_001130982.2, NM_001130985.2); short protein forms V398M, V430M, V399M, V429M.
Identifiers: ClinVar variation 377823 (VCV000377823.29), dbSNP rs144202114, ClinGen allele CA1705697.